The following is an entry in ClinVar:

ClinVar aggregate classification (germline): Likely benign. Review status: criteria provided, single submitter (1 of 4 stars). 2 submissions from 2 submitters: Likely benign (1). 1 of the submissions does not count toward it. Last evaluated 2022-11-22.

Conditions:
TBXAS1-related disorder. Also called: TBXAS1-related condition.

gnomAD v4.1: 8 of 1,614,000 alleles (0.0005%); highest among the groups gnomAD compares: Non-Finnish European, 0.00068%; no homozygotes.

Submissions (2):

Labcorp Genetics (formerly Invitae), Labcorp
Classification: Likely benign. Last evaluated: 2022-11-22. Review status: criteria provided, single submitter. Criteria: Invitae Variant Classification Sherloc (09022015). Collection method: clinical testing. Allele origin: germline.

PreventionGenetics, part of Exact Sciences
Classification: Likely benign for TBXAS1-related condition. Last evaluated: 2024-03-14. Review status: no assertion criteria provided. Collection method: clinical testing. Allele origin: germline. Not counted in ClinVar's aggregate classification.
Comment: This variant is classified as likely benign based on ACMG/AMP sequence variant interpretation guidelines (Richards et al. 2015 PMID: 25741868, with internal and published modifications).

NM_001061.7(TBXAS1):c.1422C>G (p.Ala474=)

Gene: TBXAS1 (thromboxane A synthase 1; plus strand). Cytogenetic location: 7q34.
Variant type: single nucleotide variant.
Coding change: c.1422C>G on transcript NM_001061.7 (MANE Select); coding-DNA position 1422, C replaced by G.
Protein change: p.Ala474=; no amino-acid change (alanine 474 retained).
Molecular consequence: synonymous variant. On other transcripts: intron variant (1).
Genome position (GRCh38, 1-based): chr7:140,017,728, C>G. VCF-style: chr7-140017728-C-G. GRCh37 (hg19) VCF-style: chr7-139717528-C-G.
Other names: c.1422C>G, p.Ala474= (NM_001130966.5); c.1560C>G, p.Ala520= (NM_001166253.4); c.1221C>G, p.Ala407= (NM_001166254.4); c.1365C>G, p.Ala455= (NM_001314028.4); c.1239C>G, p.Ala413= (NM_001366537.3); c.1364+1868C>G (NM_030984.6); c.1425C>G (NM_001061.4).
Identifiers: ClinVar variation 2195470 (VCV002195470.5), dbSNP rs146745109, ClinGen allele CA4512044.